The following is an entry in ClinVar:

NM_182961.4(SYNE1):c.14782C>G (p.Gln4928Glu)

Gene: SYNE1 (spectrin repeat containing nuclear envelope protein 1; minus strand). Cytogenetic location: 6q25.2.
Variant type: single nucleotide variant.
Coding change: c.14782C>G on transcript NM_182961.4 (MANE Select); coding-DNA position 14782, C replaced by G.
Protein change: p.Gln4928Glu; replaces glutamine 4928 with glutamic acid.
Molecular consequence: missense variant.
Genome position (GRCh38, 1-based): chr6:152,329,903, G>C on the plus strand (C>G on the coding strand, the complement: SYNE1 is on the minus strand). VCF-style: chr6-152329903-G-C. GRCh37 (hg19) VCF-style: chr6-152651038-G-C.
Other names: c.14569C>G, p.Gln4857Glu (NM_033071.5); short protein forms Q4857E, Q4928E.
Identifiers: ClinVar variation 1942593 (VCV001942593.5), dbSNP rs1455783515, ClinGen allele CA366096473.
Genomic context (GRCh38, chr6:152,329,903, plus strand): 5'-CCTTGTGACTCAGCGCATTCATGATTCTCAAGCTGGACTGGACCTCTTCCTGATGAATTT[G>C]GATTTTTCTGATTTCCTCTTGGATGTCCTGCAGGTTGAGGTCTAGGTACACCGGCCCACT-3'
Protein context (NP_892006.3, residues 4918-4938): QDIQEEIRKI[Gln4928Glu]IHQEEVQSSL

ClinVar aggregate classification (germline): Uncertain significance (1 of 4 stars; one submission).

Conditions:
Emery-Dreifuss muscular dystrophy 4, autosomal dominant (EDMD4). Also called: EMERY-DREIFUSS MUSCULAR DYSTROPHY 4 WITH VARIABLE FEATURES. Identifiers: Orphanet 261, MedGen C2751807, MONDO:0013071, OMIM 612998.
Autosomal recessive ataxia, Beauce type. Also called: SYNE1 Deficiency; Spinocerebellar ataxia, autosomal recessive 8; ATAXIA, RECESSIVE, OF BEAUCE; SYNE1-Related Autosomal Recessive Cerebellar Ataxia. Identifiers: Orphanet 88644, MedGen C1853116, MONDO:0012549, OMIM 610743.

Allele frequency attached by ClinVar (database versions not stated): TOPMed below 0.00001; gnomAD 0.00001.
gnomAD v4.1: 1 of 1,613,996 alleles (0.000062%); highest among the groups gnomAD compares: Non-Finnish European, 0.000085%; no homozygotes.

Submission:

Labcorp Genetics (formerly Invitae), Labcorp
Classification: Uncertain significance for Emery-Dreifuss muscular dystrophy 4, autosomal dominant; Autosomal recessive ataxia, Beauce type. Last evaluated: 2022-08-13. Review status: criteria provided, single submitter. Criteria: Invitae Variant Classification Sherloc (09022015). Collection method: clinical testing. Allele origin: germline.
Comment: Algorithms developed to predict the effect of missense changes on protein structure and function (SIFT, PolyPhen-2, Align-GVGD) all suggest that this variant is likely to be disruptive. In summary, the available evidence is currently insufficient to determine the role of this variant in disease. Therefore, it has been classified as a Variant of Uncertain Significance. This sequence change replaces glutamine, which is neutral and polar, with glutamic acid, which is acidic and polar, at codon 4857 of the SYNE1 protein (p.Gln4857Glu). This variant is not present in population databases (gnomAD no frequency). This variant has not been reported in the literature in individuals affected with SYNE1-related conditions.